The following is an entry in ClinVar:

NM_022168.4(IFIH1):c.2111dup (p.Leu704fs)

Gene: IFIH1 (interferon induced with helicase C domain 1; minus strand). Cytogenetic location: 2q24.2.
Variant type: Duplication.
Coding change: c.2111dup on transcript NM_022168.4 (MANE Select); coding-DNA position 2111, one base duplicated (T; older notation c.2111dupT).
Protein change: p.Leu704fs; shifts the reading frame from leucine 704.
Molecular consequence: frameshift variant.
Genome position (GRCh38, 1-based): chr2:162,276,880, A duplicated on the plus strand (T on the coding strand, the reverse complement: IFIH1 is on the minus strand); the first of 2 consecutive A bases (chr2:162,276,880-162,276,881); duplicating either gives the same sequence. VCF-style (leftmost placement, unchanged base first): chr2-162276879-T-TA. GRCh37 (hg19) VCF-style: chr2-163133389-T-TA.
Other names: short protein forms L704fs.
Identifiers: ClinVar variation 2000503 (VCV002000503.4), dbSNP rs768543234, ClinGen allele CA1934289.
Genomic context (GRCh38, chr2:162,276,879, plus strand): 5'-AAAGATTATTCCTCGTGCTGATTCCTCAGTCCTAGTATATTGCTCCATTATGGTATTTCT[T>TA]AATTTGGTCAGCTTTTCATTTTCATATTCTGGGTTTTCAGCCAGCCTTTTCAACATTTTA-3'

ClinVar aggregate classification (germline): Uncertain significance (1 of 4 stars; one submission).

Conditions:
Singleton-Merten syndrome 1 (SGMRT1). Also called: Widened medullary cavities of bone, aortic calcification, abnormal dentition, and muscular weakness; Syndrome of widened medullary cavities of the metacarpals and phalanges, aortic calcification and abnormal dentition. Identifiers: Orphanet 85191, MedGen C4225427, MONDO:0024535, OMIM 182250.
Aicardi-Goutieres syndrome 7 (AGS7). Identifiers: Orphanet 51, MedGen C3888244, MONDO:0014367, OMIM 615846.

Submission:

Labcorp Genetics (formerly Invitae), Labcorp
Classification: Uncertain significance for Aicardi-Goutieres syndrome 7; Singleton-Merten syndrome 1. Last evaluated: 2022-07-08. Review status: criteria provided, single submitter. Criteria: Invitae Variant Classification Sherloc (09022015). Collection method: clinical testing. Allele origin: germline.
Comment: This sequence change creates a premature translational stop signal (p.Leu704Phefs*11) in the IFIH1 gene. It is expected to result in an absent or disrupted protein product. However, the current clinical and genetic evidence is not sufficient to establish whether loss-of-function variants in IFIH1 cause disease. This variant is present in population databases (rs768543234, gnomAD 0.0009%). This variant has not been reported in the literature in individuals affected with IFIH1-related conditions. In summary, the available evidence is currently insufficient to determine the role of this variant in disease. Therefore, it has been classified as a Variant of Uncertain Significance.